The following is an entry in ClinVar:

ClinVar aggregate classification (germline): Uncertain significance (1 of 4 stars; one submission).

Submission:

Dasa
Classification: Uncertain significance. Last evaluated: 2026-02-10. Review status: criteria provided, single submitter. Criteria: DASA Assertion Criteria. Collection method: clinical testing. Allele origin: germline.
Comment: NM_014159.7(SETD2):c.6852G>C (p.Gln2284His) is a missense variant that results in the substitution of glutamine with histidine. This variant is absent from population databases. The currently available literature and clinical evidence are not sufficient to establish a definitive association between this variant and the reported condition. Therefore, this variant is classified as a variant of uncertain significance.

NM_014159.7(SETD2):c.6852G>C (p.Gln2284His)

Gene: SETD2 (SET domain containing 2, histone lysine methyltransferase; minus strand). Cytogenetic location: 3p21.31.
Variant type: single nucleotide variant.
Coding change: c.6852G>C on transcript NM_014159.7 (MANE Select); coding-DNA position 6852, G replaced by C.
Protein change: p.Gln2284His; replaces glutamine 2284 with histidine.
Molecular consequence: missense variant. On other transcripts: non-coding transcript variant (1).
Genome position (GRCh38, 1-based): chr3:47,056,932, C>G on the plus strand (G>C on the coding strand, the complement: SETD2 is on the minus strand). VCF-style: chr3-47056932-C-G. GRCh37 (hg19) VCF-style: chr3-47098422-C-G.
Other names: c.6720G>C, p.Gln2240His (NM_001349370.3); short protein forms Q2240H, Q2284H.
Identifiers: ClinVar variation 4885408 (VCV004885408.2).